The following is an entry in ClinVar:

NM_001358530.2(MOCS1):c.293A>T (p.Lys98Ile)

Gene: MOCS1 (molybdenum cofactor synthesis 1; minus strand). Cytogenetic location: 6p21.2.
Variant type: single nucleotide variant.
Coding change: c.293A>T on transcript NM_001358530.2 (MANE Select); coding-DNA position 293, A replaced by T.
Protein change: p.Lys98Ile; replaces lysine 98 with isoleucine.
Molecular consequence: missense variant. On other transcripts: non-coding transcript variant (1).
Genome position (GRCh38, 1-based): chr6:39,925,803, T>A on the plus strand (A>T on the coding strand, the complement: MOCS1 is on the minus strand). VCF-style: chr6-39925803-T-A. GRCh37 (hg19) VCF-style: chr6-39893547-T-A.
Other names: c.293A>T, p.Lys98Ile (NM_001358529.2, NM_001075098.4, NM_005943.6); c.32A>T, p.Lys11Ile (NM_001358531.2, NM_001358533.2, NM_001358534.2); short protein forms K98I, K11I.
Identifiers: ClinVar variation 1907499 (VCV001907499.2), dbSNP rs1432733346, ClinGen allele CA364044849.

ClinVar aggregate classification (germline): Uncertain significance (1 of 4 stars; one submission).

Conditions:
Sulfite oxidase deficiency due to molybdenum cofactor deficiency type A. Also called: Molybdenum cofactor deficiency, complementation group A; Molybdenum Cofactor Deficiency A. Identifiers: Orphanet 308386, Orphanet 833, MedGen C1854988, MONDO:0009643, OMIM 252150.

Allele frequency attached by ClinVar (database versions not stated): TOPMed below 0.00001.
gnomAD v4.1: 1 of 1,612,772 alleles (0.000062%); no homozygotes.

Submission:

Labcorp Genetics (formerly Invitae), Labcorp
Classification: Uncertain significance for Sulfite oxidase deficiency due to molybdenum cofactor deficiency type A. Last evaluated: 2022-05-27. Review status: criteria provided, single submitter. Criteria: Invitae Variant Classification Sherloc (09022015). Collection method: clinical testing. Allele origin: germline.
Comment: This sequence change replaces lysine, which is basic and polar, with isoleucine, which is neutral and non-polar, at codon 98 of the MOCS1 protein (p.Lys98Ile). This variant is not present in population databases (gnomAD no frequency). This variant has not been reported in the literature in individuals affected with MOCS1-related conditions. Algorithms developed to predict the effect of missense changes on protein structure and function are either unavailable or do not agree on the potential impact of this missense change (SIFT: "Not Available"; PolyPhen-2: "Probably Damaging"; Align-GVGD: "Not Available"). In summary, the available evidence is currently insufficient to determine the role of this variant in disease. Therefore, it has been classified as a Variant of Uncertain Significance.